The following is an entry in ClinVar:

NM_000026.4(ADSL):c.1191+16T>C

Gene: ADSL (adenylosuccinate lyase; plus strand). Cytogenetic location: 22q13.1.
Variant type: single nucleotide variant.
Coding change: c.1191+16T>C on transcript NM_000026.4 (MANE Select); 16 bases into the intron after coding-DNA position 1191, T replaced by C.
Molecular consequence: intron variant.
Genome position (GRCh38, 1-based): chr22:40,364,381, T>C. VCF-style: chr22-40364381-T-C. GRCh37 (hg19) VCF-style: chr22-40760385-T-C.
Other names: c.1191+16T>C (NM_001363840.3, NM_001123378.3); c.999+16T>C (NM_001317923.2).
Identifiers: ClinVar variation 381950 (VCV000381950.1), dbSNP rs779771191, ClinGen allele CA10247944.

ClinVar aggregate classification (germline): Likely benign (1 of 4 stars; one submission).

Allele frequency attached by ClinVar (database versions not stated): ExAC 0.00001; gnomAD 0.00001.
gnomAD v4.1: 3 of 1,610,298 alleles (0.00019%); no homozygotes.

Submission:

GeneDx
Classification: Likely benign. Last evaluated: 2015-11-25. Review status: criteria provided, single submitter. Criteria: GeneDx Variant Classification (06012015). Collection method: clinical testing. Allele origin: germline. Affected: yes.
Comment: This variant is considered likely benign or benign based on one or more of the following criteria: it is a conservative change, it occurs at a poorly conserved position in the protein, it is predicted to be benign by multiple in silico algorithms, and/or has population frequency not consistent with disease.